The following is an entry in ClinVar:

ClinVar aggregate classification (germline): Conflicting classifications of pathogenicity. Review status: criteria provided, conflicting classifications (1 of 4 stars). 5 submissions from 5 submitters: Uncertain significance (1); Likely benign (4). Last evaluated 2026-01-29.

Conditions:
USH1C-related disorder. Also called: USH1C-related condition.
Usher syndrome type 1C. Also called: USHER SYNDROME, TYPE I, ACADIAN VARIETY. Identifiers: Orphanet 231169, Orphanet 886, MedGen C1848604, MONDO:0010171, OMIM 276904.

Allele frequency attached by ClinVar (database versions not stated): gnomAD 0.00008; ExAC 0.00010; gnomAD exomes 0.00012 and 0.00018; TOPMed 0.00012; ESP Exome Variant Server 0.00015; 1000 Genomes Project 30x 0.00016; 1000 Genomes Project 0.00020.
gnomAD v4.1: 284 of 1,612,844 alleles (0.018%); highest among the groups gnomAD compares: Non-Finnish European, 0.022%; no homozygotes.

Submissions (5):

Labcorp Genetics (formerly Invitae), Labcorp
Classification: Likely benign. Last evaluated: 2026-01-29. Review status: criteria provided, single submitter. Criteria: Invitae Variant Classification Sherloc (09022015). Collection method: clinical testing. Allele origin: germline.

PreventionGenetics, part of Exact Sciences
Classification: Likely benign for USH1C-related condition. Last evaluated: 2025-07-29. Review status: criteria provided, single submitter. Criteria: ACMG Guidelines, 2015. Collection method: clinical testing. Allele origin: germline.
Comment: This variant is classified as likely benign based on ACMG/AMP sequence variant interpretation guidelines (Richards et al. 2015 PMID: 25741868, with internal and published modifications).

Blueprint Genetics
Classification: Likely benign. Last evaluated: 2024-08-23. Review status: criteria provided, single submitter. Criteria: ACMG Guidelines, 2015. Collection method: clinical testing. Allele origin: germline.

GeneDx
Classification: Likely benign. Last evaluated: 2021-03-03. Review status: criteria provided, single submitter. Criteria: GeneDx Variant Classification Process June 2021. Collection method: clinical testing. Allele origin: germline. Affected: yes.

Illumina Laboratory Services, Illumina
Classification: Uncertain significance for Usher syndrome type 1C. Last evaluated: 2018-01-12. Review status: criteria provided, single submitter. Criteria: ICSL Variant Classification Criteria 13 December 2019. Collection method: clinical testing. Allele origin: germline.

NM_153676.4(USH1C):c.105-4A>G

Gene: USH1C (USH1 protein network component harmonin; minus strand). Cytogenetic location: 11p15.1.
Variant type: single nucleotide variant.
Coding change: c.105-4A>G on transcript NM_153676.4 (MANE Select); 4 bases into the intron before coding-DNA position 105, A replaced by G.
Molecular consequence: intron variant.
Genome position (GRCh38, 1-based): chr11:17,531,546, T>C on the plus strand (A>G on the coding strand, the complement: USH1C is on the minus strand). VCF-style: chr11-17531546-T-C. GRCh37 (hg19) VCF-style: chr11-17553093-T-C.
Other names: c.105-4A>G (NM_001297764.2, NM_005709.4, NM_153676.3).
Identifiers: ClinVar variation 303816 (VCV000303816.16), dbSNP rs201374986, ClinGen allele CA5905165.